The following is an entry in ClinVar:

ClinVar aggregate classification (germline): Likely pathogenic (1 of 4 stars; one submission).

Conditions:
Epilepsy, familial focal, with variable foci 2 (FFEVF2). Identifiers: MedGen C4310709, MONDO:0014924, OMIM 617116.

Submission:

Rady Children's Institute for Genomic Medicine, Rady Children's Hospital San Diego
Classification: Likely pathogenic for EPILEPSY, FAMILIAL FOCAL, WITH VARIABLE FOCI 2. Last evaluated: 2018-06-27. Review status: criteria provided, single submitter. Criteria: ACMG Guidelines, 2015. Collection method: clinical testing. Allele origin: germline. Affected: yes. Observed: 1 variant allele.
Comment: This deletion overlaps the canonical splice donor site of intron 4 and is therefore predicted to interfere with splicing and result in loss of normal protein function. This variant has not been previously reported or functionally characterized in the literature to our knowledge. Previous studies have identified NPRL2 loss of function variants in patients with focal epilepsy and cortical dysplasia, indicating that loss of function is a mechanism of disease for this gene (PMID: 26505888, 27173016). It is absent from the ExAC and gnomAD population databases and thus is presumed to be rare. The c.445_448+3delATTGGTA variant is predicted by multiple in silico tools to have a deleterious effect on protein function. Based on the available evidence, the c.445_448+3delATTGGTA variant is classified as Likely Pathogenic.

NM_006545.5(NPRL2):c.445_448+3del

Gene: NPRL2 (NPR2 like, GATOR1 complex subunit; minus strand). Cytogenetic location: 3p21.31.
Variant type: Deletion.
Coding change: c.445_448+3del on transcript NM_006545.5 (MANE Select); coding-DNA position 445 through 3 bases into the intron after coding-DNA position 448, 7 bases deleted (ATTGGTA; older notation c.445_448+3delATTGGTA).
Molecular consequence: splice donor variant.
Genome position (GRCh38, 1-based): chr3:50,349,383-50,349,389, TACCAAT deleted on the plus strand (ATTGGTA on the coding strand, the reverse complement: NPRL2 is on the minus strand). VCF-style (leftmost placement, unchanged base first): chr3-50349382-ATACCAAT-A. GRCh37 (hg19) VCF-style: chr3-50386813-ATACCAAT-A.
Identifiers: ClinVar variation 692035 (VCV000692035.1), dbSNP rs1575562076, ClinGen allele CA915942511.